The following is an entry in ClinVar:

NM_014362.4(HIBCH):c.4G>A (p.Gly2Arg)

Gene: HIBCH (3-hydroxyisobutyryl-CoA hydrolase; minus strand). Cytogenetic location: 2q32.2.
Variant type: single nucleotide variant.
Coding change: c.4G>A on transcript NM_014362.4 (MANE Select); coding-DNA position 4, G replaced by A.
Protein change: p.Gly2Arg; replaces glycine 2 with arginine.
Molecular consequence: missense variant.
Genome position (GRCh38, 1-based): chr2:190,319,747, C>T on the plus strand (G>A on the coding strand, the complement: HIBCH is on the minus strand). VCF-style: chr2-190319747-C-T. GRCh37 (hg19) VCF-style: chr2-191184473-C-T.
Other names: c.4G>A, p.Gly2Arg (NM_198047.3); short protein forms G2R.
Identifiers: ClinVar variation 1420815 (VCV001420815.6), dbSNP rs1341440380, ClinGen allele CA349897277.

ClinVar aggregate classification (germline): Uncertain significance (1 of 4 stars; one submission).

Conditions:
3-hydroxyisobutyryl-CoA hydrolase deficiency. Also called: HIBCH DEFICIENCY; VALINE METABOLIC DEFECT; Reduced circulating 3-hydroxyisobutyryl-CoA hydrolase activity; Deficiency of 3-hydroxyisobutyryl CoA hydrolase; METHACRYLIC ACID TOXICITY; METHACRYLIC ACIDURIA. Identifiers: Orphanet 88639, MedGen C0342738, MONDO:0009603, OMIM 250620, HP:6000215.

Allele frequency attached by ClinVar (database versions not stated): TOPMed below 0.00001.
gnomAD v4.1: 1 of 1,612,690 alleles (0.000062%); highest among the groups gnomAD compares: Non-Finnish European, 0.000085%; no homozygotes.

Submission:

Labcorp Genetics (formerly Invitae), Labcorp
Classification: Uncertain significance for 3-hydroxyisobutyryl-CoA hydrolase deficiency. Last evaluated: 2021-11-20. Review status: criteria provided, single submitter. Criteria: Invitae Variant Classification Sherloc (09022015). Collection method: clinical testing. Allele origin: germline.
Comment: In summary, the available evidence is currently insufficient to determine the role of this variant in disease. Therefore, it has been classified as a Variant of Uncertain Significance. Algorithms developed to predict the effect of missense changes on protein structure and function output the following: SIFT: "Deleterious"; PolyPhen-2: "Possibly Damaging"; Align-GVGD: "Class C0". The arginine amino acid residue is found in multiple mammalian species, which suggests that this missense change does not adversely affect protein function. This variant has not been reported in the literature in individuals affected with HIBCH-related conditions. This variant is not present in population databases (gnomAD no frequency). This sequence change replaces glycine, which is neutral and non-polar, with arginine, which is basic and polar, at codon 2 of the HIBCH protein (p.Gly2Arg).